The following is an entry in ClinVar:

NM_000548.5(TSC2):c.2465C>T (p.Ala822Val)

Gene: TSC2 (TSC complex subunit 2; plus strand). Cytogenetic location: 16p13.3.
Variant type: single nucleotide variant.
Coding change: c.2465C>T on transcript NM_000548.5 (MANE Select); coding-DNA position 2465, C replaced by T.
Protein change: p.Ala822Val; replaces alanine 822 with valine.
Molecular consequence: missense variant.
Genome position (GRCh38, 1-based): chr16:2,074,309, C>T. VCF-style: chr16-2074309-C-T. GRCh37 (hg19) VCF-style: chr16-2124310-C-T.
Other names: c.2465C>T, p.Ala822Val (NM_001077183.3, NM_001114382.3, NM_001363528.2 and 3 more transcripts); c.2354C>T, p.Ala785Val (NM_001318827.2); c.2318C>T, p.Ala773Val (NM_001318829.2); c.1865C>T, p.Ala622Val (NM_001318831.2); c.2498C>T, p.Ala833Val (NM_001318832.2); short protein forms A822V, A785V, A773V, A833V, A622V.
Identifiers: ClinVar variation 406081 (VCV000406081.21), dbSNP rs936484229, ClinGen allele CA16614739.

ClinVar aggregate classification (germline): Conflicting classifications of pathogenicity. Review status: criteria provided, conflicting classifications (1 of 4 stars). 4 submissions from 4 submitters: Uncertain significance (1); Benign (1); Likely benign (2). Last evaluated 2026-04-21.

Conditions:
Hereditary cancer-predisposing syndrome. Also called: Hereditary Cancer Syndrome; Tumor predisposition; Hereditary neoplastic syndrome; Neoplastic Syndromes, Hereditary. Identifiers: Orphanet 140162, MedGen C0027672, MeSH D009386, MONDO:0015356.
Tuberous sclerosis syndrome (TSC). Also called: Tuberous Sclerosis Complex; Tuberous sclerosis. Identifiers: Orphanet 805, MedGen C0041341, MONDO:0001734.
Tuberous sclerosis 2 (TSC2). Identifiers: Orphanet 805, MedGen C1860707, MONDO:0013199, OMIM 613254.

Allele frequency attached by ClinVar (database versions not stated): gnomAD 0.00001; gnomAD exomes below 0.00001; TOPMed 0.00001.
gnomAD v4.1: 4 of 1,613,030 alleles (0.00025%); highest among the groups gnomAD compares: Non-Finnish European, 0.00034%; no homozygotes.

Submissions (4):

Ambry Genetics
Classification: Likely benign for Hereditary cancer-predisposing syndrome. Last evaluated: 2026-04-21. Review status: criteria provided, single submitter. Criteria: Ambry Variant Classification Scheme 2023. Collection method: clinical testing. Allele origin: germline.

Labcorp Genetics (formerly Invitae), Labcorp
Classification: Benign for Tuberous sclerosis 2. Last evaluated: 2026-01-28. Review status: criteria provided, single submitter. Criteria: Invitae Variant Classification Sherloc (09022015). Collection method: clinical testing. Allele origin: germline.

Color Diagnostics, LLC DBA Color Health
Classification: Uncertain significance for Tuberous sclerosis syndrome. Last evaluated: 2025-08-05. Review status: criteria provided, single submitter. Criteria: ACMG Guidelines, 2015. Collection method: clinical testing. Allele origin: germline.
Comment: This missense variant replaces alanine with valine at codon 822 of the TSC2 protein. Computational prediction is inconclusive regarding the impact of this variant on protein structure and function. To our knowledge, functional studies have not been reported for this variant. This variant has not been reported in individuals affected with TSC2-related disorders in the literature. This variant has been identified in 1/250516 chromosomes in the general population by the Genome Aggregation Database (gnomAD). The available evidence is insufficient to determine the role of this variant in disease conclusively. Therefore, this variant is classified as a Variant of Uncertain Significance.

Genome-Nilou Lab
Classification: Likely benign for Tuberous sclerosis 2. Last evaluated: 2021-11-07. Review status: criteria provided, single submitter. Criteria: ACMG Guidelines, 2015. Collection method: clinical testing. Allele origin: germline. Affected: no.